The following is an entry in ClinVar:

ClinVar aggregate classification (germline): Likely pathogenic. Review status: criteria provided, single submitter (1 of 4 stars). 2 submissions from 2 submitters: Likely pathogenic (1). 1 of the submissions does not count toward it. Last evaluated 2024-06-15.

Conditions:
Bardet-Biedl syndrome 7 (BBS7). Identifiers: Orphanet 110, MedGen C1859565, MONDO:0014435, OMIM 615984.
BBS7-related disorder. Also called: BBS7-related condition.

Submissions (2):

Fulgent Genetics
Classification: Likely pathogenic for Bardet-Biedl syndrome 7. Last evaluated: 2024-06-15. Review status: criteria provided, single submitter. Criteria: ACMG Guidelines, 2015. Collection method: clinical testing. Allele origin: germline.

PreventionGenetics, part of Exact Sciences
Classification: Likely pathogenic for BBS7-related condition. Last evaluated: 2024-01-23. Review status: no assertion criteria provided. Collection method: clinical testing. Allele origin: germline. Not counted in ClinVar's aggregate classification.
Comment: The BBS7 c.655dupA variant is predicted to result in a frameshift and premature protein termination (p.Ile219Asnfs*17). This variant was reported in an individual with an autosomal recessive inherited retinal disease (Table S3 in Hanany et al 2020. PubMed ID: 31964843). This variant is reported in 0.0065% of alleles in individuals of European (Non-Finnish) descent in gnomAD. Frameshift variants in BBS7 are expected to be pathogenic. This variant is interpreted as likely pathogenic.

NM_176824.3(BBS7):c.655dup (p.Ile219fs)

Gene: BBS7 (Bardet-Biedl syndrome 7; minus strand). Cytogenetic location: 4q27.
Variant type: Duplication.
Coding change: c.655dup on transcript NM_176824.3 (MANE Select); coding-DNA position 655, one base duplicated (A; older notation c.655dupA).
Protein change: p.Ile219fs; shifts the reading frame from isoleucine 219.
Molecular consequence: frameshift variant.
Genome position (GRCh38, 1-based): chr4:121,854,767, T duplicated on the plus strand (A on the coding strand, the reverse complement: BBS7 is on the minus strand). VCF-style (leftmost placement, unchanged base first): chr4-121854766-A-AT. GRCh37 (hg19) VCF-style: chr4-122775921-A-AT.
Other names: c.655dup, p.Ile219fs (NM_018190.4); short protein forms I219fs.
Identifiers: ClinVar variation 3349413 (VCV003349413.2).